The following is an entry in ClinVar:

NM_014714.4(IFT140):c.3368C>A (p.Pro1123His)

Gene: IFT140 (intraflagellar transport 140; minus strand). Cytogenetic location: 16p13.3.
Variant type: single nucleotide variant.
Coding change: c.3368C>A on transcript NM_014714.4 (MANE Select); coding-DNA position 3368, C replaced by A.
Protein change: p.Pro1123His; replaces proline 1123 with histidine.
Molecular consequence: missense variant.
Genome position (GRCh38, 1-based): chr16:1,523,603, G>T on the plus strand (C>A on the coding strand, the complement: IFT140 is on the minus strand). VCF-style: chr16-1523603-G-T. GRCh37 (hg19) VCF-style: chr16-1573604-G-T.
Other names: short protein forms P1123H.
Identifiers: ClinVar variation 4991514 (VCV004991514.1).

ClinVar aggregate classification (germline): Uncertain significance (1 of 4 stars; one submission).

Conditions:
IFT140-related disorder. Also called: IFT140-related condition.

Submission:

PreventionGenetics, part of Exact Sciences
Classification: Uncertain significance for IFT140-related condition. Last evaluated: 2025-12-30. Review status: criteria provided, single submitter. Criteria: ACMG Guidelines, 2015. Collection method: clinical testing. Allele origin: germline.
Comment: The IFT140 c.3368C>A variant is predicted to result in the amino acid substitution p.Pro1123His. To our knowledge, this variant has not been reported in the literature or in a large population database (gnomAD), indicating this variant is rare. At this time, the clinical significance of this variant is uncertain due to the absence of conclusive functional and genetic evidence.